The following is an entry in ClinVar:

NM_024741.3(ZNF408):c.1423C>T (p.Arg475Trp)

Gene: ZNF408 (zinc finger protein 408; plus strand). Cytogenetic location: 11p11.2.
Variant type: single nucleotide variant.
Coding change: c.1423C>T on transcript NM_024741.3 (MANE Select); coding-DNA position 1423, C replaced by T.
Protein change: p.Arg475Trp; replaces arginine 475 with tryptophan.
Molecular consequence: missense variant.
Genome position (GRCh38, 1-based): chr11:46,705,123, C>T. VCF-style: chr11-46705123-C-T. GRCh37 (hg19) VCF-style: chr11-46726673-C-T.
Other names: c.1399C>T, p.Arg467Trp (NM_001184751.2); short protein forms R467W, R475W.
Identifiers: ClinVar variation 1364319 (VCV001364319.9), dbSNP rs768151401, ClinGen allele CA5966567.

ClinVar aggregate classification (germline): Uncertain significance (1 of 4 stars; one submission).

Allele frequency attached by ClinVar (database versions not stated): gnomAD exomes below 0.00001 and 0.00001; ExAC 0.00001; gnomAD 0.00001 and 0.00002; TOPMed 0.00002.

Submission:

Labcorp Genetics (formerly Invitae), Labcorp
Classification: Uncertain significance. Last evaluated: 2022-02-02. Review status: criteria provided, single submitter. Criteria: Invitae Variant Classification Sherloc (09022015). Collection method: clinical testing. Allele origin: germline.
Comment: This sequence change replaces arginine, which is basic and polar, with tryptophan, which is neutral and slightly polar, at codon 475 of the ZNF408 protein (p.Arg475Trp). In summary, the available evidence is currently insufficient to determine the role of this variant in disease. Therefore, it has been classified as a Variant of Uncertain Significance. Algorithms developed to predict the effect of missense changes on protein structure and function (SIFT, PolyPhen-2, Align-GVGD) all suggest that this variant is likely to be disruptive. This variant has not been reported in the literature in individuals affected with ZNF408-related conditions. This variant is present in population databases (rs768151401, gnomAD 0.0009%).